The following is an entry in ClinVar:

NM_181507.2(HPS5):c.2068A>C (p.Lys690Gln)

Gene: HPS5 (HPS5 biogenesis of lysosomal organelles complex 2 subunit 2; minus strand). Cytogenetic location: 11p15.1.
Variant type: single nucleotide variant.
Coding change: c.2068A>C on transcript NM_181507.2 (MANE Select); coding-DNA position 2068, A replaced by C.
Protein change: p.Lys690Gln; replaces lysine 690 with glutamine.
Molecular consequence: missense variant.
Genome position (GRCh38, 1-based): chr11:18,291,814, T>G on the plus strand (A>C on the coding strand, the complement: HPS5 is on the minus strand). VCF-style: chr11-18291814-T-G. GRCh37 (hg19) VCF-style: chr11-18313361-T-G.
Other names: c.1726A>C, p.Lys576Gln (NM_007216.4, NM_181508.2); short protein forms K576Q, K690Q.
Identifiers: ClinVar variation 1806326 (VCV001806326.1), dbSNP rs766765974, ClinGen allele CA5909930.
Genomic context (GRCh38, chr11:18,291,814, plus strand): 5'-CACATTCACATGCTGTTTTATCAACAGATTCTTCATTGCCTAAAGAGTCCCTTTTTTCTT[T>G]TTCATTATCTTCATCTAATATTCCCTTTTTTGATTCATTAACTAATAGCACATCCTGGTT-3'
Protein context (NP_852608.1, residues 680-700): KKGILDEDNE[Lys690Gln]EKRDSLGNEE

ClinVar aggregate classification (germline): Uncertain significance (1 of 4 stars; one submission).

Conditions:
Hermansky-Pudlak syndrome 5 (HPS5). Identifiers: Orphanet 231512, Orphanet 79430, MedGen C3888004, MONDO:0013557, OMIM 614074.

Allele frequency attached by ClinVar (database versions not stated): ExAC 0.00001; gnomAD exomes 0.00001.
gnomAD v4.1: 8 of 1,613,008 alleles (0.0005%); highest among the groups gnomAD compares: Middle Eastern, 0.017%; no homozygotes.

Submission:

Victorian Clinical Genetics Services, Murdoch Childrens Research Institute
Classification: Uncertain significance for Hermansky-Pudlak syndrome 5. Last evaluated: 2020-10-19. Review status: criteria provided, single submitter. Criteria: ACMG Guidelines, 2015. Collection method: clinical testing. Allele origin: germline. Inheritance: Autosomal recessive inheritance.
Comment: Based on the classification scheme VCGS_Germline_v1.3.3, this variant is classified as 3C-VUS. Following criteria are met: 0102 - Loss of function is a known mechanism of disease in this gene and is associated with Hermansky-Pudlak syndrome 5 (MIM#614074). (I) 0106 - This gene is associated with autosomal recessive disease. (I) 0200 - Variant is predicted to result in a missense amino acid change from lysine to glutamine. (I) 0251 - This variant is heterozygous. (I) 0304 - Variant is present in gnomAD <0.01 for a recessive condition (v2: 1 heterozygote, 0 homozygotes). (SP) 0309 - An alternative amino acid change at the same position has been observed in gnomAD (v3: 1 heterozygote, 0 homozygote). (I) 0503 - Missense variant consistently predicted to be tolerated by multiple in silico tools or not conserved in placental mammals with a minor amino acid change. (SB) 0604 - Variant is not located in an established domain, motif, hotspot or informative constraint region. (I) 0705 - No comparable missense variants have previous evidence for pathogenicity. (I) 0807 - This variant has no previous evidence of pathogenicity. (I) 0905 - No published segregation evidence has been identified for this variant. (I) 1007 - No published functional evidence has been identified for this variant. (I) 1208 - Inheritance information for this variant is not currently available in this individual. (I) Legend: (SP) - Supporting pathogenic, (I) - Information, (SB) - Supporting benign